The following is an entry in ClinVar:

ClinVar aggregate classification (germline): Conflicting classifications of pathogenicity. Review status: criteria provided, conflicting classifications (1 of 4 stars). 6 submissions from 5 submitters: Uncertain significance (1); Likely benign (5). Last evaluated 2025-05-22.

Conditions:
Familial thoracic aortic aneurysm and aortic dissection (TAAD). Also called: Thoracic aortic aneurysms and dissections. Identifiers: Orphanet 91387, MedGen C4707243, MONDO:0019625.
Aortic valve disease 1 (AOVD1). Identifiers: MedGen C3887892, MONDO:0024523, OMIM 109730.
Adams-Oliver syndrome 5 (AOS5). Identifiers: Orphanet 974, MedGen C4014970, MONDO:0014459, OMIM 616028.
NOTCH1-related disorder. Also called: NOTCH1-related condition; NOTCH1-related disorders.

gnomAD v4.1: 12 of 1,510,904 alleles (0.00079%); highest among the groups gnomAD compares: Admixed American, 0.0063%; no homozygotes.

Submissions (6):

Labcorp Genetics (formerly Invitae), Labcorp
Classification: Likely benign for Adams-Oliver syndrome 5. Last evaluated: 2025-05-22. Review status: criteria provided, single submitter. Criteria: Invitae Variant Classification Sherloc (09022015). Collection method: clinical testing. Allele origin: germline.

PreventionGenetics, part of Exact Sciences
Classification: Uncertain significance for NOTCH1-related condition. Last evaluated: 2023-04-10. Review status: criteria provided, single submitter. Criteria: ACMG Guidelines, 2015. Collection method: clinical testing. Allele origin: germline.
Comment: The NOTCH1 c.5016C>T variant is not predicted to result in an amino acid change (p.=). This variant is predicted to slightly weaken splicing. To our knowledge, this variant has not been reported in the literature or in a large population database, indicating this variant is rare. In ClinVar, this variant is interpreted as likely benign. Although we suspect that this variant may be benign, at this time, the clinical significance of this variant is uncertain due to the absence of conclusive functional and genetic evidence.

Genome-Nilou Lab
Classification: Likely benign for Adams-Oliver syndrome 5. Last evaluated: 2022-03-15. Review status: criteria provided, single submitter. Criteria: ACMG Guidelines, 2015. Collection method: clinical testing. Allele origin: germline. Affected: no.

Genome-Nilou Lab
Classification: Likely benign for Aortic valve disease 1. Last evaluated: 2022-03-15. Review status: criteria provided, single submitter. Criteria: ACMG Guidelines, 2015. Collection method: clinical testing. Allele origin: germline. Affected: no.

GeneDx
Classification: Likely benign. Last evaluated: 2017-11-21. Review status: criteria provided, single submitter. Criteria: GeneDx Variant Classification (06012015). Collection method: clinical testing. Allele origin: germline. Affected: yes.
Comment: This variant is considered likely benign or benign based on one or more of the following criteria: it is a conservative change, it occurs at a poorly conserved position in the protein, it is predicted to be benign by multiple in silico algorithms, and/or has population frequency not consistent with disease.

Ambry Genetics
Classification: Likely benign for Familial thoracic aortic aneurysm and aortic dissection. Last evaluated: 2016-04-01. Review status: criteria provided, single submitter. Criteria: Ambry Variant Classification Scheme 2023. Collection method: clinical testing. Allele origin: germline.

NM_017617.5(NOTCH1):c.5016C>T (p.Arg1672=)

Gene: NOTCH1 (notch receptor 1; minus strand). Cytogenetic location: 9q34.3.
Variant type: single nucleotide variant.
Coding change: c.5016C>T on transcript NM_017617.5 (MANE Select); coding-DNA position 5016, C replaced by T.
Protein change: p.Arg1672=; no amino-acid change (arginine 1672 retained).
Molecular consequence: synonymous variant.
Genome position (GRCh38, 1-based): chr9:136,504,675, G>A on the plus strand (C>T on the coding strand, the complement: NOTCH1 is on the minus strand). VCF-style: chr9-136504675-G-A. GRCh37 (hg19) VCF-style: chr9-139399127-G-A.
Other names: c.5016C>T, p.Arg1672= (LRG_1122t1); c.5016C>T (NM_017617.4).
Identifiers: ClinVar variation 513409 (VCV000513409.10), dbSNP rs1251609154, ClinGen allele CA467741900.